The following is an entry in ClinVar:

NM_001291415.2(KDM6A):c.4217A>G (p.Tyr1406Cys)

Gene: KDM6A (lysine demethylase 6A; plus strand). Cytogenetic location: Xp11.3.
Variant type: single nucleotide variant.
Coding change: c.4217A>G on transcript NM_001291415.2 (MANE Select); coding-DNA position 4217, A replaced by G.
Protein change: p.Tyr1406Cys; replaces tyrosine 1406 with cysteine.
Molecular consequence: missense variant. On other transcripts: non-coding transcript variant (1).
Genome position (GRCh38, 1-based): chrX:45,110,134, A>G. VCF-style: chrX-45110134-A-G. GRCh37 (hg19) VCF-style: chrX-44969379-A-G.
Other names: c.4082A>G, p.Tyr1361Cys (NM_001291416.2); c.3926A>G, p.Tyr1309Cys (NM_001291417.2); c.3824A>G, p.Tyr1275Cys (NM_001291418.2); c.3173A>G, p.Tyr1058Cys (NM_001291421.2); c.4061A>G, p.Tyr1354Cys (NM_021140.4); short protein forms Y1058C, Y1275C, Y1309C, Y1354C, Y1361C, Y1406C.
Identifiers: ClinVar variation 1312124 (VCV001312124.5), dbSNP rs375096245, ClinGen allele CA10392798.

ClinVar aggregate classification (germline): Conflicting classifications of pathogenicity. Review status: criteria provided, conflicting classifications (1 of 4 stars). 2 submissions from 2 submitters: Uncertain significance (1); Benign (1). Last evaluated 2024-12-30.

Conditions:
Kabuki syndrome 2 (KABUK2). Also called: KDM6A-Related Kabuki Syndrome. Identifiers: Orphanet 2322, MedGen C3275495, MONDO:0010465, OMIM 300867.

Allele frequency attached by ClinVar (database versions not stated): gnomAD exomes below 0.00001 and 0.00002; TOPMed below 0.00001; gnomAD 0.00001 and 0.00002; ExAC 0.00002; ESP Exome Variant Server 0.00009.
gnomAD v4.1: 5 of 1,208,275 alleles (0.00041%); highest among the groups gnomAD compares: South Asian, 0.0018%; no homozygotes.

Submissions (2):

Labcorp Genetics (formerly Invitae), Labcorp
Classification: Benign for Kabuki syndrome 2. Last evaluated: 2024-12-30. Review status: criteria provided, single submitter. Criteria: Invitae Variant Classification Sherloc (09022015). Collection method: clinical testing. Allele origin: germline.

GeneDx
Classification: Uncertain significance. Last evaluated: 2019-09-16. Review status: criteria provided, single submitter. Criteria: GeneDx Variant Classification Process June 2021. Collection method: clinical testing. Allele origin: germline. Affected: yes.
Comment: In silico analysis, which includes protein predictors and evolutionary conservation, supports a deleterious effect; Has not been previously published as pathogenic or benign to our knowledge